The following is an entry in ClinVar:

NM_002617.4(PEX10):c.708_709dup (p.Tyr237fs)

Gene: PEX10 (peroxisomal biogenesis factor 10; minus strand). Cytogenetic location: 1p36.32.
Variant type: Duplication.
Coding change: c.708_709dup on transcript NM_002617.4 (MANE Select); coding-DNA positions 708 to 709, 2 bases duplicated (GT; older notation c.708_709dupGT).
Protein change: p.Tyr237fs; shifts the reading frame from tyrosine 237.
Molecular consequence: frameshift variant. On other transcripts: non-coding transcript variant (1).
Genome position (GRCh38, 1-based): chr1:2,406,787-2,406,788, AC duplicated on the plus strand (GT on the coding strand, the reverse complement: PEX10 is on the minus strand); duplicating any 2 consecutive bases within chr1:2,406,787-2,406,789 gives the same sequence; the c. name uses the placement nearest the transcript's 3' end. VCF-style (leftmost placement, unchanged base first): chr1-2406786-T-TAC. GRCh37 (hg19) VCF-style: chr1-2338225-T-TAC.
Other names: c.765_766dup, p.Tyr256fs (NM_001374425.1); c.333_334dup, p.Tyr112fs (NM_001374426.1); c.276_277dup, p.Tyr93fs (NM_001374427.1); c.768_769dup, p.Tyr257fs (NM_153818.2); short protein forms Y93fs, Y112fs, Y257fs, Y237fs, Y256fs.
Identifiers: ClinVar variation 2010527 (VCV002010527.4), dbSNP rs2522259655, ClinGen allele CA2580062535.

ClinVar aggregate classification (germline): Pathogenic (1 of 4 stars; one submission).

Conditions:
Peroxisome biogenesis disorder, complementation group 7 (CG7). Also called: Peroxisome biogenesis disorder, complementation group B. Identifiers: MedGen C1864399.

Submission:

Labcorp Genetics (formerly Invitae), Labcorp
Classification: Pathogenic for Peroxisome biogenesis disorder, complementation group 7. Last evaluated: 2022-06-25. Review status: criteria provided, single submitter. Criteria: Invitae Variant Classification Sherloc (09022015). Collection method: clinical testing. Allele origin: germline.
Comment: This variant has not been reported in the literature in individuals affected with PEX10-related conditions. This variant disrupts a region of the PEX10 protein in which other variant(s) (p.Arg331Gln) have been determined to be pathogenic (PMID: 20695019, 27230853). This suggests that this is a clinically significant region of the protein, and that variants that disrupt it are likely to be disease-causing. For these reasons, this variant has been classified as Pathogenic. This sequence change results in a frameshift in the PEX10 gene (p.Tyr257Cysfs*108). While this is not anticipated to result in nonsense mediated decay, it is expected to disrupt the last 90 amino acid(s) of the PEX10 protein and extend the protein by 17 additional amino acid residues. This variant is not present in population databases (gnomAD no frequency).

Literature cited by the submitters: PubMed 20695019; PubMed 27230853.